The following is an entry in ClinVar:

NM_001042492.3(NF1):c.3871-1G>A

Gene: NF1 (neurofibromin 1; plus strand). Cytogenetic location: 17q11.2.
Variant type: single nucleotide variant.
Coding change: c.3871-1G>A on transcript NM_001042492.3 (MANE Select); the canonical splice acceptor site of the intron before coding-DNA position 3871, G replaced by A.
Molecular consequence: splice acceptor variant.
Genome position (GRCh38, 1-based): chr17:31,235,917, G>A. VCF-style: chr17-31235917-G-A. GRCh37 (hg19) VCF-style: chr17-29562935-G-A.
Other names: c.3871-1G>A (NM_000267.4).
Identifiers: ClinVar variation 571095 (VCV000571095.10), dbSNP rs1567852753, ClinGen allele CA398992977.

ClinVar aggregate classification (germline): Pathogenic. Review status: criteria provided, multiple submitters, no conflicts (2 of 4 stars). 2 submissions from 2 submitters: Pathogenic (2). Last evaluated 2025-09-04.
ClinVar aggregate classification (somatic clinical impact): Tier I - Strong (1 of 4 stars; one submission).

Conditions:
Cardiovascular phenotype. Identifiers: MedGen CN230736.
Hereditary cancer-predisposing syndrome. Also called: Hereditary neoplastic syndrome; Neoplastic Syndromes, Hereditary; Hereditary Cancer Syndrome; Tumor predisposition. Identifiers: Orphanet 140162, MedGen C0027672, MeSH D009386, MONDO:0015356.
Neurofibromatosis, type 1 (NF1). Also called: Peripheral type neurofibromatosis; VON RECKLINGHAUSEN DISEASE; Neurofibromatosis, type I; NEUROFIBROMATOSIS, TYPE I, SOMATIC. Identifiers: Orphanet 636, MedGen C0027831, MONDO:0018975, OMIM 162200. Disease mechanism: loss of function.
Neurofibroma. Identifiers: Orphanet 252183, MedGen C0027830, MeSH D009455, MONDO:0016755, HP:0001067.

Submissions (3):

Labcorp Genetics (formerly Invitae), Labcorp
Classification: Pathogenic for Neurofibromatosis, type 1. Last evaluated: 2025-09-04. Review status: criteria provided, single submitter. Criteria: Invitae Variant Classification Sherloc (09022015). Collection method: clinical testing. Allele origin: germline.
Comment: This sequence change affects an acceptor splice site in intron 28 of the NF1 gene. It is expected to disrupt RNA splicing. Variants that disrupt the donor or acceptor splice site typically lead to a loss of protein function (PMID: 16199547), and loss-of-function variants in NF1 are known to be pathogenic (PMID: 10712197, 23913538). This variant is not present in population databases (gnomAD no frequency). Disruption of this splice site has been observed in individuals with neurofibromatosis type 1 (internal data). Invitae Evidence Modeling of clinical and family history, age, sex, and reported ancestry of multiple individuals with this NF1 variant has been performed. This variant is expected to be pathogenic with a positive predictive value of at least 99%. This is a validated machine learning model that incorporates the clinical features of 1,785,918 individuals referred to our laboratory for NF1 testing. ClinVar contains an entry for this variant (Variation ID: 571095). Algorithms developed to predict the effect of sequence changes on RNA splicing suggest that this variant may disrupt the consensus splice site. For these reasons, this variant has been classified as Pathogenic.

Institute for Genomic Medicine (IGM) Clinical Laboratory, Nationwide Children's Hospital
Classification: Tier I - Strong for Neurofibroma. Assertion type: diagnostic. Clinical significance: supports diagnosis. Last evaluated: 2024-12-10. Review status: criteria provided, single submitter. Criteria: AMP/ASCO/CAP Guidelines, 2017. Collection method: clinical testing. Allele origin: somatic. Affected: yes.
Comment: Variant has Tier I (strong) clinical significance as a diagnostic inclusion criterion in neurofibroma, based on the following evidence: 1) Documented in one or more cancer databases (e.g., St. Jude Pecan, COSMIC, CIViC, OncoKB). 2) Appears in one or more well-established professional guidelines (e.g., World Health Organization [WHO]; National Comprehensive Cancer Network [NCCN]) as providing diagnostic, prognostic, or therapeutic information. 3) Information in the literature supports potential biologic effect of variant (PMID: 28230061). 4) Diagnostic for a specific tumor type/classification based on well-powered studies with expert-level consensus (Evidence Level B; PMID: 28230061).

Ambry Genetics
Classification: Pathogenic for Cardiovascular phenotype; Hereditary cancer-predisposing syndrome. Last evaluated: 2024-08-05. Review status: criteria provided, single submitter. Criteria: Ambry Variant Classification Scheme 2023. Collection method: clinical testing. Allele origin: germline.
Comment: The c.3871-1G>A intronic pathogenic mutation results from a G to A substitution one nucleotide upstream from coding exon 29 of the NF1 gene. Alterations that disrupt the canonical splice site are expected to cause aberrant splicing, resulting in an abnormal protein or a transcript that is subject to nonsense-mediated mRNA decay. RNA studies have demonstrated this alteration results in abnormal splicing in the set of samples tested (Ambry internal data). This variant has been observed in at least one individual with a personal and/or family history that is consistent with Neurofibromatosis type 1 (Ambry internal data). This variant is considered to be rare based on population cohorts in the Genome Aggregation Database (gnomAD). Based on the available evidence, this variant is classified as a pathogenic mutation.

Literature cited by the submitters: PubMed 16199547 (cited by Labcorp Genetics (formerly Invitae), Labcorp); PubMed 10712197 (cited by Labcorp Genetics (formerly Invitae), Labcorp); PubMed 23913538 (cited by Labcorp Genetics (formerly Invitae), Labcorp); PubMed 28230061 (cited by Institute for Genomic Medicine (IGM) Clinical Laboratory, Nationwide Children's Hospital).